The following is an entry in ClinVar:

ClinVar aggregate classification (germline): Uncertain significance (1 of 4 stars; one submission).

Submission:

Labcorp Genetics (formerly Invitae), Labcorp
Classification: Uncertain significance. Last evaluated: 2022-02-08. Review status: criteria provided, single submitter. Criteria: Invitae Variant Classification Sherloc (09022015). Collection method: clinical testing. Allele origin: germline.
Comment: This variant is not present in population databases (gnomAD no frequency). In summary, the available evidence is currently insufficient to determine the role of this variant in disease. Therefore, it has been classified as a Variant of Uncertain Significance. Algorithms developed to predict the effect of missense changes on protein structure and function are either unavailable or do not agree on the potential impact of this missense change (SIFT: "Deleterious"; PolyPhen-2: "Possibly Damaging"; Align-GVGD: "Class C0"). ClinVar contains an entry for this variant (Variation ID: 1060270). This variant has not been reported in the literature in individuals affected with PCDH15-related conditions. This sequence change replaces glutamine, which is neutral and polar, with leucine, which is neutral and non-polar, at codon 359 of the PCDH15 protein (p.Gln359Leu).

NM_001384140.1(PCDH15):c.1076A>T (p.Gln359Leu)

Gene: PCDH15 (protocadherin related 15; minus strand). Cytogenetic location: 10q21.1.
Variant type: single nucleotide variant.
Coding change: c.1076A>T on transcript NM_001384140.1 (MANE Select); coding-DNA position 1076, A replaced by T.
Protein change: p.Gln359Leu; replaces glutamine 359 with leucine.
Molecular consequence: missense variant.
Genome position (GRCh38, 1-based): chr10:54,213,958, T>A on the plus strand (A>T on the coding strand, the complement: PCDH15 is on the minus strand). VCF-style: chr10-54213958-T-A. GRCh37 (hg19) VCF-style: chr10-55973718-T-A.
Other names: c.1091A>T, p.Gln364Leu (NM_001142763.2, NM_001142769.4, NM_001142771.2); c.1076A>T, p.Gln359Leu (NM_001142764.2, NM_001142765.2, NM_001142766.2 and 7 more transcripts); c.965A>T, p.Gln322Leu (NM_001142767.2); c.1010A>T, p.Gln337Leu (NM_001142768.2, NM_001142773.2, NM_001354404.2); short protein forms Q322L, Q337L, Q359L, Q364L.
Identifiers: ClinVar variation 1060270 (VCV001060270.5), dbSNP rs2134107251, ClinGen allele CA376523463.